The following is an entry in ClinVar:

ClinVar aggregate classification (germline): Pathogenic (1 of 4 stars; one submission).

Conditions:
Familial cold autoinflammatory syndrome 2 (FCAS2). Identifiers: Orphanet 247868, MedGen C2673198, MONDO:0012724, OMIM 611762.

Submission:

Labcorp Genetics (formerly Invitae), Labcorp
Classification: Pathogenic for Familial cold autoinflammatory syndrome 2. Last evaluated: 2018-03-08. Review status: criteria provided, single submitter. Criteria: Invitae Variant Classification Sherloc (09022015). Collection method: clinical testing. Allele origin: germline.
Comment: This variant is a gross deletion of the genomic region encompassing part of exon 6 of the NLRP12 gene, including the exon 6-intron 6 boundary (c.2574_2585+13del). This likely creates a premature translational stop signal and is expected to result in an absent or disrupted protein product. Similar deletions have not been reported in the literature in individuals with NLRP12-related disease. Loss-of-function variants in NLRP12 are known to be pathogenic (PMID: 18230725). For these reasons, this variant has been classified as Pathogenic.

NM_144687.4(NLRP12):c.2574_2585+13del

Gene: NLRP12 (NLR family pyrin domain containing 12; minus strand). Cytogenetic location: 19q13.42.
Variant type: Deletion.
Coding change: c.2574_2585+13del on transcript NM_144687.4 (MANE Select); coding-DNA position 2574 through 13 bases into the intron after coding-DNA position 2585, 25 bases deleted (ACGGACTTTGTGGTGAGTTCTTCCT).
Molecular consequence: splice donor variant.
Genome position (GRCh38, 1-based): chr19:53,803,939-53,803,963, AGGAAGAACTCACCACAAAGTCCGT deleted on the plus strand (ACGGACTTTGTGGTGAGTTCTTCCT on the coding strand, the reverse complement: NLRP12 is on the minus strand); deleting any 25 consecutive bases within chr19:53,803,939-53,803,965 gives the same sequence; the c. name uses the placement nearest the transcript's 3' end. VCF-style (leftmost placement, unchanged base first): chr19-53803938-CAGGAAGAACTCACCACAAAGTCCGT-C. GRCh37 (hg19) VCF-style: chr19-54307192-CAGGAAGAACTCACCACAAAGTCCGT-C.
Other names: c.2574_2585+13del (NM_001277129.1); c.2577_2588+13del (NM_001277126.2); c.2574_2585+13delACGGACTTTGTGGTGAGTTCTTCCT (NM_144687.3).
Identifiers: ClinVar variation 574410 (VCV000574410.1), dbSNP rs1302931500, ClinGen allele CA633905374.
Genomic context (GRCh38, chr19:53,803,938, plus strand): 5'-GATGCATTTTTATACCATCATTCAATATGAAGAGATTTGCCATTTTATTATAGTTGACCC[CAGGAAGAACTCACCACAAAGTCCGT>C]AGTCTGCAGACTGGGTGCCTCAGTCCCTGGCATAGTAACCTCAGGCCCAAATCCTCCAGT-3'